The following is an entry in ClinVar:

NM_003140.3(SRY):c.253A>G (p.Met85Val)

Gene: SRY (sex determining region Y; minus strand). Cytogenetic location: Yp11.2.
Variant type: single nucleotide variant.
Coding change: c.253A>G on transcript NM_003140.3 (MANE Select); coding-DNA position 253, A replaced by G.
Protein change: p.Met85Val; replaces methionine 85 with valine.
Molecular consequence: missense variant.
Genome position (GRCh38, 1-based): chrY:2,787,351, T>C on the plus strand (A>G on the coding strand, the complement: SRY is on the minus strand). VCF-style: chrY-2787351-T-C. GRCh37 (hg19) VCF-style: chrY-2655392-T-C.
Other names: short protein forms M85V.
Identifiers: ClinVar variation 1369014 (VCV001369014.8), dbSNP rs2124486176, ClinGen allele CA414941448.

ClinVar aggregate classification (germline): Uncertain significance (1 of 4 stars; one submission).

Conditions:
46,XY sex reversal 1. Also called: 46,XY SEX REVERSAL, SRY-RELATED; SRY-related 46,XY complete gonadal dysgenesis. Identifiers: Orphanet 242, MedGen C2748896, MONDO:0020712, OMIM 400044.

Submission:

Labcorp Genetics (formerly Invitae), Labcorp
Classification: Uncertain significance for 46,XY sex reversal 1. Last evaluated: 2022-05-20. Review status: criteria provided, single submitter. Criteria: Invitae Variant Classification Sherloc (09022015). Collection method: clinical testing. Allele origin: germline.
Comment: This sequence change replaces methionine, which is neutral and non-polar, with valine, which is neutral and non-polar, at codon 85 of the SRY protein (p.Met85Val). The frequency data for this variant in the population databases is considered unreliable, as metrics indicate insufficient coverage at this position in the gnomAD database. This variant has not been reported in the literature in individuals affected with SRY-related conditions. Algorithms developed to predict the effect of missense changes on protein structure and function are either unavailable or do not agree on the potential impact of this missense change (SIFT: "Tolerated"; PolyPhen-2: "Probably Damaging"; Align-GVGD: "Class C0"). In summary, the available evidence is currently insufficient to determine the role of this variant in disease. Therefore, it has been classified as a Variant of Uncertain Significance.